The following is an entry in ClinVar:

NM_001376.5(DYNC1H1):c.1493_1494insCTC (p.Glu498delinsAspSer)

Gene: DYNC1H1 (dynein cytoplasmic 1 heavy chain 1; plus strand). Cytogenetic location: 14q32.31.
Variant type: Insertion.
Coding change: c.1493_1494insCTC on transcript NM_001376.5 (MANE Select); coding-DNA positions 1493 to 1494, CTC inserted.
Protein change: p.Glu498delinsAspSer.
Molecular consequence: inframe indel.
Genome position: GRCh38 VCF-style: chr14-101985718-A-ACTC. GRCh37 (hg19) VCF-style: chr14-102452055-A-ACTC.
Identifiers: ClinVar variation 2702343 (VCV002702343.3), dbSNP rs2503693070, ClinGen allele CA2697554193.

ClinVar aggregate classification (germline): Uncertain significance (1 of 4 stars; one submission).

Conditions:
Charcot-Marie-Tooth disease axonal type 2O. Also called: Charcot-Marie-Tooth disease, axonal, type 20; CHARCOT-MARIE-TOOTH NEUROPATHY, AXONAL, TYPE 2O; CHARCOT-MARIE-TOOTH DISEASE, AXONAL, AUTOSOMAL DOMINANT, TYPE 2O; Charcot-Marie-Tooth Neuropathy Type 2O. Identifiers: Orphanet 284232, MedGen C3280220, MONDO:0013644, OMIM 614228.

Submission:

Labcorp Genetics (formerly Invitae), Labcorp
Classification: Uncertain significance for Charcot-Marie-Tooth disease axonal type 2O. Last evaluated: 2023-06-09. Review status: criteria provided, single submitter. Criteria: Invitae Variant Classification Sherloc (09022015). Collection method: clinical testing. Allele origin: germline.
Comment: In summary, the available evidence is currently insufficient to determine the role of this variant in disease. Therefore, it has been classified as a Variant of Uncertain Significance. Experimental studies and prediction algorithms are not available or were not evaluated, and the functional significance of this variant is currently unknown. This variant has not been reported in the literature in individuals affected with DYNC1H1-related conditions. This variant is not present in population databases (gnomAD no frequency). This variant, c.1493_1494insCTC, is a complex sequence change that results in the deletion of 1 and insertion of 2 amino acid(s) in the DYNC1H1 protein (p.Glu498delinsAspSer).